The following is an entry in ClinVar:

NM_025137.4(SPG11):c.1759T>G (p.Leu587Val)

Gene: SPG11 (SPG11 vesicle trafficking associated, spatacsin; minus strand). Cytogenetic location: 15q21.1.
Variant type: single nucleotide variant.
Coding change: c.1759T>G on transcript NM_025137.4 (MANE Select); coding-DNA position 1759, T replaced by G.
Protein change: p.Leu587Val; replaces leucine 587 with valine.
Molecular consequence: missense variant.
Genome position (GRCh38, 1-based): chr15:44,629,365, A>C on the plus strand (T>G on the coding strand, the complement: SPG11 is on the minus strand). VCF-style: chr15-44629365-A-C. GRCh37 (hg19) VCF-style: chr15-44921563-A-C.
Other names: c.1759T>G, p.Leu587Val (NM_001160227.2); short protein forms L587V.
Identifiers: ClinVar variation 1036858 (VCV001036858.6), dbSNP rs1438765066, ClinGen allele CA392234751.

ClinVar aggregate classification (germline): Uncertain significance (1 of 4 stars; one submission).

Conditions:
Hereditary spastic paraplegia 11. Also called: Spastic Paraplegia 11; SPASTIC PARAPLEGIA, AUTOSOMAL RECESSIVE, COMPLICATED, WITH THIN CORPUS CALLOSUM; SPASTIC PARAPLEGIA, AUTOSOMAL RECESSIVE, WITH MENTAL IMPAIRMENT AND THIN CORPUS CALLOSUM; Spastic paraplegia, mental retardation and thin corpus callosum; Nakamura Osame syndrome; Autosomal recessive hereditary spastic paraplegia, mental impairment, and thin corpus callosum. Identifiers: Orphanet 2822, MedGen C1858479, MONDO:0011445, OMIM 604360.

Allele frequency attached by ClinVar (database versions not stated): gnomAD exomes below 0.00001; gnomAD 0.00001.
gnomAD v4.1: 23 of 1,614,060 alleles (0.0014%); highest among the groups gnomAD compares: Non-Finnish European, 0.0019%; no homozygotes.

Submission:

Labcorp Genetics (formerly Invitae), Labcorp
Classification: Uncertain significance for Hereditary spastic paraplegia 11. Last evaluated: 2021-08-24. Review status: criteria provided, single submitter. Criteria: Invitae Variant Classification Sherloc (09022015). Collection method: clinical testing. Allele origin: germline.
Comment: This sequence change replaces leucine with valine at codon 587 of the SPG11 protein (p.Leu587Val). The leucine residue is moderately conserved and there is a small physicochemical difference between leucine and valine. This variant is not present in population databases (ExAC no frequency). This variant has not been reported in the literature in individuals affected with SPG11-related conditions. Algorithms developed to predict the effect of missense changes on protein structure and function are either unavailable or do not agree on the potential impact of this missense change (SIFT: "Deleterious"; PolyPhen-2: "Probably Damaging"; Align-GVGD: "Class C0"). In summary, the available evidence is currently insufficient to determine the role of this variant in disease. Therefore, it has been classified as a Variant of Uncertain Significance.